The following is an entry in ClinVar:

NM_000059.4(BRCA2):c.6455C>G (p.Ser2152Cys)

Gene: BRCA2 (BRCA2 DNA repair associated; plus strand). Cytogenetic location: 13q13.1.
Variant type: single nucleotide variant.
Coding change: c.6455C>G on transcript NM_000059.4 (MANE Select); coding-DNA position 6455, C replaced by G.
Protein change: p.Ser2152Cys; replaces serine 2152 with cysteine.
Molecular consequence: missense variant.
Genome position (GRCh38, 1-based): chr13:32,340,810, C>G. VCF-style: chr13-32340810-C-G. GRCh37 (hg19) VCF-style: chr13-32914947-C-G.
Other names: short protein forms S2152C.
Identifiers: ClinVar variation 661142 (VCV000661142.13), dbSNP rs80358881, ClinGen allele CA387789339.

ClinVar aggregate classification (germline): Conflicting classifications of pathogenicity. Review status: criteria provided, conflicting classifications (1 of 4 stars). 3 submissions from 3 submitters: Uncertain significance (2); Likely benign (1). Last evaluated 2025-06-24.

Conditions:
Hereditary breast ovarian cancer syndrome. Also called: Hereditary breast and ovarian cancer syndrome (HBOC); Hereditary breast and ovarian cancer syndrome; Breast and ovarian cancer; Hereditary breast and ovarian cancer; Hereditary breast and/or ovarian cancer syndrome; BRCA1- and BRCA2-Associated Hereditary Breast and Ovarian Cancer. Identifiers: Orphanet 145, MedGen C0677776, MeSH D061325, MONDO:0003582. Disease mechanism: loss of function.
Hereditary cancer-predisposing syndrome. Also called: Neoplastic Syndromes, Hereditary; Tumor predisposition; Hereditary neoplastic syndrome; Hereditary Cancer Syndrome. Identifiers: Orphanet 140162, MedGen C0027672, MeSH D009386, MONDO:0015356.

Submissions (3):

Ambry Genetics
Classification: Uncertain significance for Hereditary cancer-predisposing syndrome. Last evaluated: 2025-06-24. Review status: criteria provided, single submitter. Criteria: Ambry Variant Classification Scheme 2023. Collection method: clinical testing. Allele origin: germline.
Comment: The p.S2152C variant (also known as c.6455C>G), located in coding exon 10 of the BRCA2 gene, results from a C to G substitution at nucleotide position 6455. The serine at codon 2152 is replaced by cysteine, an amino acid with dissimilar properties. This amino acid position is not well conserved in available vertebrate species. In addition, the in silico prediction for this alteration is inconclusive. Based on the available evidence, the clinical significance of this variant remains unclear.

University of Washington Department of Laboratory Medicine, University of Washington
Classification: Likely benign for Hereditary cancer-predisposing syndrome. Last evaluated: 2023-03-23. Review status: criteria provided, single submitter. Criteria: Dines et al. (Genet Med. 2020). Collection method: curation. Allele origin: germline.
Comment: Missense variant in a coldspot region where missense variants are very unlikely to be pathogenic (PMID:31911673).

BRCA2 exon 11 coldspot. Reclassification based on statistical prior probability.

Labcorp Genetics (formerly Invitae), Labcorp
Classification: Uncertain significance for Hereditary breast ovarian cancer syndrome. Last evaluated: 2021-02-07. Review status: criteria provided, single submitter. Criteria: Invitae Variant Classification Sherloc (09022015). Collection method: clinical testing. Allele origin: germline.
Comment: In summary, the available evidence is currently insufficient to determine the role of this variant in disease. Therefore, it has been classified as a Variant of Uncertain Significance. This sequence change replaces serine with cysteine at codon 2152 of the BRCA2 protein (p.Ser2152Cys). The serine residue is moderately conserved and there is a moderate physicochemical difference between serine and cysteine. This variant is not present in population databases (ExAC no frequency). This variant has been observed in an unaffected control individual (PMID: 30287823). ClinVar contains an entry for this variant (Variation ID: 661142). Algorithms developed to predict the effect of missense changes on protein structure and function are either unavailable or do not agree on the potential impact of this missense change (SIFT: "Deleterious"; PolyPhen-2: "Benign"; Align-GVGD: "Class C0").

Literature cited by the submitters: PubMed 30287823 (cited by Labcorp Genetics (formerly Invitae), Labcorp).